The following is an entry in ClinVar:

ClinVar aggregate classification (germline): Uncertain significance. Review status: criteria provided, multiple submitters, no conflicts (2 of 4 stars). 2 submissions from 2 submitters: Uncertain significance (2). Last evaluated 2026-09-17.

Conditions:
Age related macular degeneration 4. Identifiers: MedGen C1853147, MONDO:0012540, OMIM 610698.
Factor H deficiency (CFHD). Also called: COMPLEMENT FACTOR H DEFICIENCY; CFH DEFICIENCY. Identifiers: Orphanet 200421, MedGen C0398777, MONDO:0012350, OMIM 609814.
Atypical hemolytic-uremic syndrome. Identifiers: Orphanet 2134, MedGen C2931788, MONDO:0016244.

Allele frequency attached by ClinVar (database versions not stated): gnomAD exomes below 0.00001; TOPMed below 0.00001.
gnomAD v4.1: 5 of 1,611,806 alleles (0.00031%); highest among the groups gnomAD compares: Non-Finnish European, 0.00042%; no homozygotes.

Submissions (2):

Genomenon, Inc
Classification: Uncertain significance for Age related macular degeneration 4; Atypical hemolytic-uremic syndrome; Factor H deficiency. Last evaluated: 2026-09-17. Review status: criteria provided, single submitter. Criteria: Genomenon Sequence Variant Interpretation Standards - Updated. Collection method: curation. Allele origin: germline. Affected: yes.
Comment: CFH p.Glu242Lys (c.724G>A) is a missense variant that changes the amino acid at codon 242 from glutamic acid to lysine. This variant has been observed in at least one proband affected with a CFH-related disorder (PMID: 29686068; 29888403). It is absent or not present at a significant frequency in gnomAD. In silico models predict that this variant is not damaging. In conclusion, we classify CFH p.Glu242Lys (c.724G>A) as a variant of uncertain significance.

Labcorp Genetics (formerly Invitae), Labcorp
Classification: Uncertain significance. Last evaluated: 2020-09-25. Review status: criteria provided, single submitter. Criteria: Invitae Variant Classification Sherloc (09022015). Collection method: clinical testing. Allele origin: germline.
Comment: In summary, the available evidence is currently insufficient to determine the role of this variant in disease. Therefore, it has been classified as a Variant of Uncertain Significance. This sequence change replaces glutamic acid with lysine at codon 242 of the CFH protein (p.Glu242Lys). The glutamic acid residue is weakly conserved and there is a small physicochemical difference between glutamic acid and lysine. This variant is not present in population databases (ExAC no frequency). This variant has been observed in individual(s) with CFH-related conditions (PMID: 29888403). Algorithms developed to predict the effect of missense changes on protein structure and function (SIFT, PolyPhen-2, Align-GVGD) all suggest that this variant is likely to be tolerated, but these predictions have not been confirmed by published functional studies and their clinical significance is uncertain.

Literature cited by the submitters: PubMed 29686068 (cited by Genomenon, Inc); PubMed 29888403 (cited by Genomenon, Inc and Labcorp Genetics (formerly Invitae), Labcorp).

NM_000186.4(CFH):c.724G>A (p.Glu242Lys)

Gene: CFH (complement factor H; plus strand). Cytogenetic location: 1q31.3.
Variant type: single nucleotide variant.
Coding change: c.724G>A on transcript NM_000186.4 (MANE Select); coding-DNA position 724, G replaced by A.
Protein change: p.Glu242Lys; replaces glutamic acid 242 with lysine.
Molecular consequence: missense variant.
Genome position (GRCh38, 1-based): chr1:196,679,727, G>A. VCF-style: chr1-196679727-G-A. GRCh37 (hg19) VCF-style: chr1-196648857-G-A.
Other names: c.724G>A, p.Glu242Lys (NM_001014975.3); short protein forms E242K.
Identifiers: ClinVar variation 1054142 (VCV001054142.11), dbSNP rs1667584357, ClinGen allele CA343977940.